The following is an entry in ClinVar:

NM_003628.6(PKP4):c.2580T>G (p.Phe860Leu)

Genes: PKP4 (plakophilin 4; plus strand), PKP4-AS1 (PKP4 antisense RNA 1; minus strand). Cytogenetic location: 2q24.1.
Variant type: single nucleotide variant.
Coding change: c.2580T>G on transcript NM_003628.6 (MANE Select); coding-DNA position 2580, T replaced by G.
Protein change: p.Phe860Leu; replaces phenylalanine 860 with leucine.
Molecular consequence: missense variant.
Genome position (GRCh38, 1-based): chr2:158,666,415, T>G. VCF-style: chr2-158666415-T-G. GRCh37 (hg19) VCF-style: chr2-159522927-T-G.
Other names: c.2580T>G, p.Phe860Leu (NM_001005476.4, NM_001304971.2, NM_001377218.1 and 1 more transcripts); c.2577T>G, p.Phe859Leu (NM_001304969.3, NM_001377219.1, NM_001377220.1 and 2 more transcripts); c.1551T>G, p.Phe517Leu (NM_001304970.3); c.2574T>G, p.Phe858Leu (NM_001377222.1, NM_001377223.1); c.2571T>G, p.Phe857Leu (NM_001377224.1); short protein forms F858L, F857L, F517L, F859L, F860L.
Identifiers: ClinVar variation 3307131 (VCV003307131.1).

ClinVar aggregate classification (germline): Uncertain significance (1 of 4 stars; one submission).

gnomAD v4.1: 2 of 1,595,660 alleles (0.00013%); highest among the groups gnomAD compares: African/African-American, 0.0014%; no homozygotes.

Submission:

Ambry Genetics
Classification: Uncertain significance. Last evaluated: 2024-05-02. Review status: criteria provided, single submitter. Criteria: Ambry Variant Classification Scheme 2023. Collection method: clinical testing. Allele origin: germline.
Comment: The p.F860L variant (also known as c.2580T>G), located in coding exon 15 of the PKP4 gene, results from a T to G substitution at nucleotide position 2580. The phenylalanine at codon 860 is replaced by leucine, an amino acid with highly similar properties. This amino acid position is conserved. In addition, this alteration is predicted to be tolerated by in silico analysis. Based on the available evidence, the clinical significance of this variant remains unclear.